The following is an entry in ClinVar:

NM_014727.3(KMT2B):c.3905G>A (p.Arg1302His)

Gene: KMT2B (lysine methyltransferase 2B; plus strand). Cytogenetic location: 19q13.12.
Variant type: single nucleotide variant.
Coding change: c.3905G>A on transcript NM_014727.3 (MANE Select); coding-DNA position 3905, G replaced by A.
Protein change: p.Arg1302His; replaces arginine 1302 with histidine.
Molecular consequence: missense variant.
Genome position (GRCh38, 1-based): chr19:35,726,255, G>A. VCF-style: chr19-35726255-G-A. GRCh37 (hg19) VCF-style: chr19-36217156-G-A.
Other names: c.3905G>A (NM_014727.1); short protein forms R1302H.
Identifiers: ClinVar variation 1695629 (VCV001695629.8), dbSNP rs771289674, ClinGen allele CA9384924.

ClinVar aggregate classification (germline): Uncertain significance. Review status: criteria provided, multiple submitters, no conflicts (2 of 4 stars). 3 submissions from 3 submitters: Uncertain significance (3). Last evaluated 2024-10-30.

Conditions:
Inborn genetic diseases. Identifiers: MedGen C0950123, MeSH D030342.

Allele frequency attached by ClinVar (database versions not stated): TOPMed below 0.00001; ExAC 0.00001; gnomAD 0.00001.
gnomAD v4.1: 4 of 1,613,470 alleles (0.00025%); highest among the groups gnomAD compares: African/African-American, 0.0013%; no homozygotes.

Submissions (3):

Labcorp Genetics (formerly Invitae), Labcorp
Classification: Uncertain significance. Last evaluated: 2024-10-30. Review status: criteria provided, single submitter. Criteria: Invitae Variant Classification Sherloc (09022015). Collection method: clinical testing. Allele origin: germline.
Comment: This sequence change replaces arginine, which is basic and polar, with histidine, which is basic and polar, at codon 1302 of the KMT2B protein (p.Arg1302His). This variant is present in population databases (rs771289674, gnomAD 0.002%). This variant has not been reported in the literature in individuals affected with KMT2B-related conditions. ClinVar contains an entry for this variant (Variation ID: 1695629). Invitae Evidence Modeling of protein sequence and biophysical properties (such as structural, functional, and spatial information, amino acid conservation, physicochemical variation, residue mobility, and thermodynamic stability) has been performed for this missense variant. However, the output from this modeling did not meet the statistical confidence thresholds required to predict the impact of this variant on KMT2B protein function. In summary, the available evidence is currently insufficient to determine the role of this variant in disease. Therefore, it has been classified as a Variant of Uncertain Significance.

GeneDx
Classification: Uncertain significance. Last evaluated: 2022-01-07. Review status: criteria provided, single submitter. Criteria: GeneDx Variant Classification Process June 2021. Collection method: clinical testing. Allele origin: germline. Affected: yes.
Comment: Not observed at significant frequency in large population cohorts (gnomAD); In silico analysis supports that this missense variant has a deleterious effect on protein structure/function; Has not been previously published as pathogenic or benign to our knowledge

Ambry Genetics
Classification: Uncertain significance for Inborn genetic diseases. Last evaluated: 2021-08-09. Review status: criteria provided, single submitter. Criteria: Ambry Variant Classification Scheme 2023. Collection method: clinical testing. Allele origin: germline.